The following is an entry in ClinVar:

NM_012463.4(ATP6V0A2):c.264G>T (p.Ala88=)

Gene: ATP6V0A2 (ATPase H+ transporting V0 subunit a2; plus strand). Cytogenetic location: 12q24.31.
Variant type: single nucleotide variant.
Coding change: c.264G>T on transcript NM_012463.4 (MANE Select); coding-DNA position 264, G replaced by T.
Protein change: p.Ala88=; no amino-acid change (alanine 88 retained).
Molecular consequence: synonymous variant.
Genome position (GRCh38, 1-based): chr12:123,722,418, G>T. VCF-style: chr12-123722418-G-T. GRCh37 (hg19) VCF-style: chr12-124206965-G-T.
Identifiers: ClinVar variation 498312 (VCV000498312.49), dbSNP rs139785866, ClinGen allele CA6861538.

ClinVar aggregate classification (germline): Conflicting classifications of pathogenicity. Review status: criteria provided, conflicting classifications (1 of 4 stars). 6 submissions from 6 submitters: Uncertain significance (2); Benign (2); Likely benign (2). Last evaluated 2026-02-01.

Conditions:
Cutis laxa with osteodystrophy (ARCL2A). Also called: Autosomal recessive cutis laxa type 2A; Debré-Type Cutis Laxa; CUTIS LAXA, AUTOSOMAL RECESSIVE, TYPE IIA; CUTIS LAXA WITH CONGENITAL DISORDER OF GLYCOSYLATION; CUTIS LAXA WITH BONE DYSTROPHY; CUTIS LAXA WITH GROWTH AND DEVELOPMENTAL DELAY. Identifiers: Orphanet 357058, MedGen C0268355, MONDO:0018163, OMIM 219200. Disease mechanism: loss of function.
ALG9 congenital disorder of glycosylation (CDG1L). Also called: ALG9-CDG; CDG Il; CONGENITAL DISORDER OF GLYCOSYLATION, TYPE Il. Identifiers: Orphanet 79328, MedGen C2931006, MONDO:0012117, OMIM 608776.

Allele frequency attached by ClinVar (database versions not stated): TOPMed 0.00061; 1000 Genomes Project 30x 0.00094; 1000 Genomes Project 0.00100.
gnomAD v4.1: 1,221 of 1,611,790 alleles (0.076%); highest among the groups gnomAD compares: Middle Eastern, 0.25%; 18 homozygotes.

Submissions (6):

Labcorp Genetics (formerly Invitae), Labcorp
Classification: Benign for ALG9 congenital disorder of glycosylation. Last evaluated: 2026-02-01. Review status: criteria provided, single submitter. Criteria: Invitae Variant Classification Sherloc (09022015). Collection method: clinical testing. Allele origin: germline.

Blueprint Genetics
Classification: Likely benign. Last evaluated: 2024-11-22. Review status: criteria provided, single submitter. Criteria: ACMG Guidelines, 2015. Collection method: clinical testing. Allele origin: germline.

CeGaT Center for Human Genetics Tuebingen
Classification: Likely benign. Last evaluated: 2022-11-01. Review status: criteria provided, single submitter. Criteria: CeGaT Center For Human Genetics Tuebingen Variant Classification Criteria Version 2. Collection method: clinical testing. Allele origin: germline. Affected: yes. Observed: 2 variant alleles.
Comment: ATP6V0A2: BP4, BP7, BS2; ENSG00000286092: BS2

GeneDx
Classification: Benign. Last evaluated: 2019-08-02. Review status: criteria provided, single submitter. Criteria: GeneDx Variant Classification Process June 2021. Collection method: clinical testing. Allele origin: germline. Affected: yes.

Illumina Laboratory Services, Illumina
Classification: Uncertain significance for Cutis laxa with osteodystrophy. Last evaluated: 2017-04-27. Review status: criteria provided, single submitter. Criteria: ICSL Variant Classification Criteria 13 December 2019. Collection method: clinical testing. Allele origin: germline.

Eurofins Ntd Llc (ga)
Classification: Uncertain significance. Last evaluated: 2016-11-17. Review status: criteria provided, single submitter. Criteria: EGL Classification Definitions 2015. Collection method: clinical testing. Allele origin: germline. Observed: 1 variant allele, 1 heterozygote.